The following is an entry in ClinVar:

ClinVar aggregate classification (germline): Uncertain significance (1 of 4 stars; one submission).

Conditions:
DNMT3A-related disorder. Also called: DNMT3A-related disorders; DNMT3A-related condition.

gnomAD v4.1: 1 of 1,609,868 alleles (0.000062%); highest among the groups gnomAD compares: Non-Finnish European, 0.000085%; no homozygotes.

Submission:

PreventionGenetics, part of Exact Sciences
Classification: Uncertain significance for DNMT3A-related condition. Last evaluated: 2026-07-22. Review status: criteria provided, single submitter. Criteria: ACMG Guidelines, 2015. Collection method: clinical testing. Allele origin: germline.
Comment: The DNMT3A c.98G>T variant is predicted to result in the amino acid substitution p.Arg33Leu. To our knowledge, this variant has not been reported in the literature or in a large population database (gnomAD), indicating this variant is rare. At this time, the clinical significance of this variant is uncertain due to the absence of conclusive functional and genetic evidence.

NM_022552.5(DNMT3A):c.98G>T (p.Arg33Leu)

Gene: DNMT3A (DNA methyltransferase 3 alpha; minus strand). Cytogenetic location: 2p23.3.
Variant type: single nucleotide variant.
Coding change: c.98G>T on transcript NM_022552.5 (MANE Select); coding-DNA position 98, G replaced by T.
Protein change: p.Arg33Leu; replaces arginine 33 with leucine.
Molecular consequence: missense variant. On other transcripts: non-coding transcript variant (1).
Genome position (GRCh38, 1-based): chr2:25,300,218, C>A on the plus strand (G>T on the coding strand, the complement: DNMT3A is on the minus strand). VCF-style: chr2-25300218-C-A. GRCh37 (hg19) VCF-style: chr2-25523087-C-A.
Other names: c.98G>T, p.Arg33Leu (NM_001320892.2, NM_175629.2, NM_175630.1); short protein forms R33L.
Identifiers: ClinVar variation 4990757 (VCV004990757.1).